The following is an entry in ClinVar:

NM_003470.3(USP7):c.3201C>T (p.Pro1067=)

Gene: USP7 (ubiquitin specific peptidase 7; minus strand). Cytogenetic location: 16p13.2.
Variant type: single nucleotide variant.
Coding change: c.3201C>T on transcript NM_003470.3 (MANE Select); coding-DNA position 3201, C replaced by T.
Protein change: p.Pro1067=; no amino-acid change (proline 1067 retained).
Molecular consequence: synonymous variant. On other transcripts: non-coding transcript variant (1).
Genome position (GRCh38, 1-based): chr16:8,894,551, G>A on the plus strand (C>T on the coding strand, the complement: USP7 is on the minus strand). VCF-style: chr16-8894551-G-A. GRCh37 (hg19) VCF-style: chr16-8988408-G-A.
Other names: c.3153C>T, p.Pro1051= (NM_001286457.2); c.2904C>T, p.Pro968= (NM_001286458.2); c.3027C>T, p.Pro1009= (NM_001321858.2).
Identifiers: ClinVar variation 1974687 (VCV001974687.12), dbSNP rs149953957, ClinGen allele CA7894725.

ClinVar aggregate classification (germline): Conflicting classifications of pathogenicity. Review status: criteria provided, conflicting classifications (1 of 4 stars). 2 submissions from 2 submitters: Uncertain significance (1); Likely benign (1). Last evaluated 2025-12-16.

Allele frequency attached by ClinVar (database versions not stated): gnomAD 0.00001; gnomAD exomes 0.00002; ExAC 0.00003; TOPMed 0.00004; 1000 Genomes Project 30x 0.00047.

Submissions (2):

Labcorp Genetics (formerly Invitae), Labcorp
Classification: Uncertain significance. Last evaluated: 2025-12-16. Review status: criteria provided, single submitter. Criteria: Invitae Variant Classification Sherloc (09022015). Collection method: clinical testing. Allele origin: germline.
Comment: This sequence change affects codon 1067 of the USP7 mRNA. It is a 'silent' change, meaning that it does not change the encoded amino acid sequence of the USP7 protein. It affects a nucleotide within the consensus splice site. This variant is present in population databases (rs149953957, gnomAD 0.05%), and has an allele count higher than expected for a pathogenic variant. This variant has not been reported in the literature in individuals affected with USP7-related conditions. ClinVar contains an entry for this variant (Variation ID: 1974687). Algorithms developed to predict the effect of sequence changes on RNA splicing suggest that this variant is not likely to affect RNA splicing. In summary, the available evidence is currently insufficient to determine the role of this variant in disease. Therefore, it has been classified as a Variant of Uncertain Significance.

CeGaT Center for Human Genetics Tuebingen
Classification: Likely benign. Last evaluated: 2025-09-01. Review status: criteria provided, single submitter. Criteria: CeGaT Center For Human Genetics Tuebingen Variant Classification Criteria Version 2. Collection method: clinical testing. Allele origin: germline. Affected: yes. Observed: 1 variant allele.
Comment: USP7: BP4, BP7